The following is an entry in ClinVar:

ClinVar aggregate classification (germline): Uncertain significance. Review status: criteria provided, multiple submitters, no conflicts (2 of 4 stars). 2 submissions from 2 submitters: Uncertain significance (2). Last evaluated 2025-10-22.

Conditions:
RASopathy. Also called: rasopathies; Noonan spectrum disorder. Identifiers: Orphanet 536391, MedGen C5555857, MONDO:0021060.
Cardiovascular phenotype. Identifiers: MedGen CN230736.

Submissions (2):

Labcorp Genetics (formerly Invitae), Labcorp
Classification: Uncertain significance for RASopathy. Last evaluated: 2025-10-22. Review status: criteria provided, single submitter. Criteria: Invitae Variant Classification Sherloc (09022015). Collection method: clinical testing. Allele origin: germline.
Comment: This sequence change replaces threonine, which is neutral and polar, with asparagine, which is neutral and polar, at codon 749 of the CBL protein (p.Thr749Asn). This variant is not present in population databases (gnomAD no frequency). This variant has not been reported in the literature in individuals affected with CBL-related conditions. ClinVar contains an entry for this variant (Variation ID: 3224649). Invitae Evidence Modeling of protein sequence and biophysical properties (such as structural, functional, and spatial information, amino acid conservation, physicochemical variation, residue mobility, and thermodynamic stability) indicates that this missense variant is not expected to disrupt CBL protein function with a negative predictive value of 95%. In summary, the available evidence is currently insufficient to determine the role of this variant in disease. Therefore, it has been classified as a Variant of Uncertain Significance.

Ambry Genetics
Classification: Uncertain significance for Cardiovascular phenotype. Last evaluated: 2024-02-18. Review status: criteria provided, single submitter. Criteria: Ambry Variant Classification Scheme 2023. Collection method: clinical testing. Allele origin: germline.
Comment: The p.T749N variant (also known as c.2246C>A), located in coding exon 14 of the CBL gene, results from a C to A substitution at nucleotide position 2246. The threonine at codon 749 is replaced by asparagine, an amino acid with similar properties. This amino acid position is conserved. In addition, this alteration is predicted to be tolerated by in silico analysis. Based on the available evidence, the clinical significance of this alteration remains unclear.

NM_005188.4(CBL):c.2246C>A (p.Thr749Asn)

Gene: CBL (Cbl proto-oncogene; plus strand). Cytogenetic location: 11q23.3.
Variant type: single nucleotide variant.
Coding change: c.2246C>A on transcript NM_005188.4 (MANE Select); coding-DNA position 2246, C replaced by A.
Protein change: p.Thr749Asn; replaces threonine 749 with asparagine.
Molecular consequence: missense variant.
Genome position (GRCh38, 1-based): chr11:119,297,476, C>A. VCF-style: chr11-119297476-C-A. GRCh37 (hg19) VCF-style: chr11-119168186-C-A.
Other names: short protein forms T749N.
Identifiers: ClinVar variation 3224649 (VCV003224649.2), dbSNP rs2135320235, ClinGen allele CA382928680.
Genomic context (GRCh38, chr11:119,297,476, plus strand): 5'-GTACGTATGAAGCAATGTATAATATTCAGTCCCAGGCGCCATCTATCACCGAGAGCAGCA[C>A]CTTTGGTAAGTTGCCATTCTGCTACTTTAAAAATCATTGATATGTCATAGGAATGAACAT-3'
Protein context (NP_005179.2, residues 739-759): SQAPSITESS[Thr749Asn]FGEGNLAAAH